The following is an entry in ClinVar:

ClinVar aggregate classification (germline): Uncertain significance (1 of 4 stars; one submission).

Submission:

Women's Health and Genetics/Laboratory Corporation of America, LabCorp
Classification: Uncertain significance. Last evaluated: 2022-09-19. Review status: criteria provided, single submitter. Criteria: LabCorp Variant Classification Summary - May 2015. Collection method: clinical testing. Allele origin: germline.
Comment: Variant summary: COL3A1 c.79+7A>T alters a conserved nucleotide located close to a canonical splice site and therefore could affect mRNA splicing, leading to a significantly altered protein sequence. One computational tool predicts the variant has a significant impact on normal splicing by weakening a canonical 5 prime donor site whereas three computational tools predict the variant has no significant impact on splicing. However, these predictions have yet to be confirmed by functional studies. The variant was absent in 251364 control chromosomes (gnomAD). The available data on variant occurrences in the general population are insufficient to allow any conclusion about variant significance. To our knowledge, no occurrence of c.79+7A>T in individuals affected with the vascular type of Ehlers-Danlos Syndrome and no experimental evidence demonstrating its impact on protein function have been reported. No clinical diagnostic laboratories have submitted clinical-significance assessments for this variant to ClinVar after 2014. Based on the evidence outlined above, the variant was classified as uncertain significance.

NM_000090.4(COL3A1):c.79+7A>T

Gene: COL3A1 (collagen type III alpha 1 chain; plus strand). Cytogenetic location: 2q32.2.
Variant type: single nucleotide variant.
Coding change: c.79+7A>T on transcript NM_000090.4 (MANE Select); 7 bases into the intron after coding-DNA position 79, A replaced by T.
Molecular consequence: intron variant.
Genome position (GRCh38, 1-based): chr2:188,974,575, A>T. VCF-style: chr2-188974575-A-T. GRCh37 (hg19) VCF-style: chr2-189839301-A-T.
Identifiers: ClinVar variation 1722500 (VCV001722500.1), dbSNP rs1687768235, ClinGen allele CA1139657535.